The following is an entry in ClinVar:

ClinVar aggregate classification (germline): Pathogenic (1 of 4 stars; one submission).

Conditions:
Nephronophthisis. Also called: Juvenile Nephronophthisis. Identifiers: Orphanet 655, MedGen C0687120, MONDO:0019005, HP:0000090.

Allele frequency attached by ClinVar (database versions not stated): gnomAD exomes below 0.00001.
gnomAD v4.1: 1 of 1,614,178 alleles (0.000062%); highest among the groups gnomAD compares: Non-Finnish European, 0.000085%; no homozygotes.

Submission:

Labcorp Genetics (formerly Invitae), Labcorp
Classification: Pathogenic for Nephronophthisis. Last evaluated: 2023-12-14. Review status: criteria provided, single submitter. Criteria: Invitae Variant Classification Sherloc (09022015). Collection method: clinical testing. Allele origin: germline.
Comment: This sequence change creates a premature translational stop signal (p.Gln744*) in the INVS gene. It is expected to result in an absent or disrupted protein product. Loss-of-function variants in INVS are known to be pathogenic (PMID: 12872123). This variant is present in population databases (no rsID available, gnomAD 0.0009%). This variant has not been reported in the literature in individuals affected with INVS-related conditions. For these reasons, this variant has been classified as Pathogenic.

Literature cited by the submitters: PubMed 12872123.

NM_014425.5(INVS):c.2230C>T (p.Gln744Ter)

Gene: INVS (inversin; plus strand). Cytogenetic location: 9q31.1.
Variant type: single nucleotide variant.
Coding change: c.2230C>T on transcript NM_014425.5 (MANE Select); coding-DNA position 2230, C replaced by T.
Protein change: p.Gln744Ter; replaces glutamine 744 with a stop codon.
Molecular consequence: nonsense. On other transcripts: non-coding transcript variant (1).
Genome position (GRCh38, 1-based): chr9:100,292,487, C>T. VCF-style: chr9-100292487-C-T. GRCh37 (hg19) VCF-style: chr9-103054769-C-T.
Other names: c.1942C>T, p.Gln648Ter (NM_001318381.2); c.1252C>T, p.Gln418Ter (NM_001318382.2); short protein forms Q744*, Q648*, Q418*.
Identifiers: ClinVar variation 2697045 (VCV002697045.3), dbSNP rs1442064385, ClinGen allele CA374242486.